The following is an entry in ClinVar:

ClinVar aggregate classification (germline): Uncertain significance (1 of 4 stars; one submission).

Conditions:
Marfan syndrome (MFS). Also called: MARFAN SYNDROME, TYPE I; Marfan syndrome type 1; Marfan's syndrome; Marfan syndrome, classic; FBN1-Related Marfan Syndrome. Identifiers: Orphanet 284963, Orphanet 558, MedGen C0024796, MONDO:0007947, OMIM 154700.
Familial thoracic aortic aneurysm and aortic dissection (TAAD). Also called: Thoracic aortic aneurysms and dissections. Identifiers: Orphanet 91387, MedGen C4707243, MONDO:0019625.

Submission:

Labcorp Genetics (formerly Invitae), Labcorp
Classification: Uncertain significance for Marfan syndrome; Familial thoracic aortic aneurysm and aortic dissection. Last evaluated: 2024-03-20. Review status: criteria provided, single submitter. Criteria: Invitae Variant Classification Sherloc (09022015). Collection method: clinical testing. Allele origin: germline.
Comment: This sequence change replaces proline, which is neutral and non-polar, with leucine, which is neutral and non-polar, at codon 1148 of the FBN1 protein (p.Pro1148Leu). This variant is not present in population databases (gnomAD no frequency). This variant has not been reported in the literature in individuals affected with FBN1-related conditions. Advanced modeling of protein sequence and biophysical properties (such as structural, functional, and spatial information, amino acid conservation, physicochemical variation, residue mobility, and thermodynamic stability) has been performed at Invitae for this missense variant, however the output from this modeling did not meet the statistical confidence thresholds required to predict the impact of this variant on FBN1 protein function. In summary, the available evidence is currently insufficient to determine the role of this variant in disease. Therefore, it has been classified as a Variant of Uncertain Significance.

NM_000138.5(FBN1):c.3443C>T (p.Pro1148Leu)

Gene: FBN1 (fibrillin 1; minus strand). Cytogenetic location: 15q21.1.
Variant type: single nucleotide variant.
Coding change: c.3443C>T on transcript NM_000138.5 (MANE Select); coding-DNA position 3443, C replaced by T.
Protein change: p.Pro1148Leu; replaces proline 1148 with leucine.
Molecular consequence: missense variant.
Genome position (GRCh38, 1-based): chr15:48,487,332, G>A on the plus strand (C>T on the coding strand, the complement: FBN1 is on the minus strand). VCF-style: chr15-48487332-G-A. GRCh37 (hg19) VCF-style: chr15-48779529-G-A.
Other names: c.3443C>T, p.Pro1148Leu (NM_001406716.1); short protein forms P1148L.
Identifiers: ClinVar variation 3749198 (VCV003749198.2).